The following is an entry in ClinVar:

NM_207122.2(EXT2):c.1286G>A (p.Trp429Ter)

Gene: EXT2 (exostosin glycosyltransferase 2; plus strand). Cytogenetic location: 11p11.2.
Variant type: single nucleotide variant.
Coding change: c.1286G>A on transcript NM_207122.2 (MANE Select); coding-DNA position 1286, G replaced by A.
Protein change: p.Trp429Ter; replaces tryptophan 429 with a stop codon.
Molecular consequence: nonsense.
Genome position (GRCh38, 1-based): chr11:44,171,723, G>A. VCF-style: chr11-44171723-G-A. GRCh37 (hg19) VCF-style: chr11-44193273-G-A.
Other names: c.1385G>A, p.Trp462Ter (NM_000401.3); c.1316G>A, p.Trp439Ter (NM_001178083.3); c.1286G>A, p.Trp429Ter (NM_001389628.1, NM_001389630.1); short protein forms W429*, W439*, W462*.
Identifiers: ClinVar variation 1457793 (VCV001457793.7), dbSNP rs2135128105, ClinGen allele CA380175636.

ClinVar aggregate classification (germline): Pathogenic. Review status: criteria provided, multiple submitters, no conflicts (2 of 4 stars). 2 submissions from 2 submitters: Pathogenic (2). Last evaluated 2021-12-02.

Conditions:
EXT2-related disorders.
Exostoses, multiple, type 2 (EXT2). Also called: EXOSTOSES, MULTIPLE, TYPE II; Hereditary Multiple Osteochondromatosis, Type II. Identifiers: Orphanet 321, MedGen C1851413, MONDO:0007586, OMIM 133701.

Submissions (2):

Blueprint Genetics
Classification: Pathogenic for EXT2-related disorders. Last evaluated: 2021-12-02. Review status: criteria provided, single submitter. Criteria: ACMG Guidelines, 2015. Collection method: clinical testing. Allele origin: germline. Affected: yes. Observed: 1 variant allele.

Labcorp Genetics (formerly Invitae), Labcorp
Classification: Pathogenic for Exostoses, multiple, type 2. Last evaluated: 2021-06-28. Review status: criteria provided, single submitter. Criteria: Invitae Variant Classification Sherloc (09022015). Collection method: clinical testing. Allele origin: germline.
Comment: This sequence change creates a premature translational stop signal (p.Trp429*) in the EXT2 gene. It is expected to result in an absent or disrupted protein product. Loss-of-function variants in EXT2 are known to be pathogenic (PMID: 10679937, 19810120). This variant is not present in population databases (ExAC no frequency). This premature translational stop signal has been observed in individual(s) with multiple osteochondromas (PMID: 19810120, 28849184). This variant is also known as p.Trp462X. For these reasons, this variant has been classified as Pathogenic.

Literature cited by the submitters: PubMed 10679937 (cited by Labcorp Genetics (formerly Invitae), Labcorp); PubMed 19810120 (cited by Labcorp Genetics (formerly Invitae), Labcorp); PubMed 28849184 (cited by Labcorp Genetics (formerly Invitae), Labcorp).